The following is an entry in ClinVar:

ClinVar aggregate classification (germline): Pathogenic. Review status: criteria provided, multiple submitters, no conflicts (2 of 4 stars). 6 submissions from 6 submitters: Pathogenic (6). Last evaluated 2026-01-08.

Conditions:
ACVRL1-related disorder. Also called: ACVRL1-related condition; ACVRL1-related disorders.
Cardiovascular phenotype. Identifiers: MedGen CN230736.
Telangiectasia, hereditary hemorrhagic, type 2 (HHT2). Also called: Telangiectasia, hereditary hemorrhagic, type II; ACVRL1-Related Hereditary Hemorrhagic Telangiectasia. Identifiers: Orphanet 774, MedGen C1838163, MONDO:0010880, OMIM 600376. Disease mechanism: loss of function.

Submissions (6):

Labcorp Genetics (formerly Invitae), Labcorp
Classification: Pathogenic for Telangiectasia, hereditary hemorrhagic, type 2. Last evaluated: 2026-01-08. Review status: criteria provided, single submitter. Criteria: Invitae Variant Classification Sherloc (09022015). Collection method: clinical testing. Allele origin: germline.
Comment: This sequence change creates a premature translational stop signal (p.Gly136Serfs*28) in the ACVRL1 gene. It is expected to result in an absent or disrupted protein product. Loss-of-function variants in ACVRL1 are known to be pathogenic (PMID: 15879500). This variant is present in population databases (rs750662466, gnomAD 0.01%). This premature translational stop signal has been observed in individuals with hereditary hemorrhagic telangiectasia (HHT) (PMID: 10694922, 15879500). This variant is also known as p.G136fs. ClinVar contains an entry for this variant (Variation ID: 212806). For these reasons, this variant has been classified as Pathogenic.

PreventionGenetics, part of Exact Sciences
Classification: Pathogenic for ACVRL1-related condition. Last evaluated: 2025-11-18. Review status: criteria provided, single submitter. Criteria: ACMG Guidelines, 2015. Collection method: clinical testing. Allele origin: germline.
Comment: The ACVRL1 c.406_409delGGTG variant is predicted to result in a frameshift and premature protein termination (p.Gly136Serfs*28). This variant has been reported to be causative for hereditary hemorrhagic telangiectasia (HHT) (Klaus et al. 1997. PubMed ID: 10694922). This variant is reported in 0.013% of alleles in individuals of African descent in gnomAD and is interpreted as pathogenic in ClinVar (Variation ID: 212806). Frameshift variants in ACVRL1 are expected to be pathogenic. This variant is interpreted as pathogenic.

GeneDx
Classification: Pathogenic. Last evaluated: 2025-03-29. Review status: criteria provided, single submitter. Criteria: GeneDx Variant Classification Process June 2021. Collection method: clinical testing. Allele origin: germline. Affected: yes.
Comment: Frameshift variant predicted to result in protein truncation or nonsense mediated decay in a gene for which loss-of-function is a known mechanism of disease; Not observed at significant frequency in large population cohorts (gnomAD); This variant is associated with the following publications: (PMID: 15879500, 10694922)

ARUP Laboratories, Molecular Genetics and Genomics, ARUP Laboratories
Classification: Pathogenic for Telangiectasia, hereditary hemorrhagic, type 2. Last evaluated: 2024-05-30. Review status: criteria provided, single submitter. Criteria: ARUP Molecular Germline Variant Investigation Process 2024. Collection method: clinical testing. Allele origin: germline.
Comment: The ACVRL1 c.406_409delGGTG; p.Gly136fs variant (rs863223416) is reported in the literature in an individual with HHT (Klaus 1998), and is reported in the ClinVar database (Variation ID: 212806). This variant is only observed on two alleles in the Genome Aggregation Database, indicating it is not a common polymorphism. This variant causes a frameshift by deleting four nucleotides, so it is predicted to result in a truncated protein or mRNA subject to nonsense-mediated decay. Based on available information, this variant is considered to be pathogenic. References: Klaus DJ et al. Novel missense and frameshift mutations in the activin receptor-like kinase-1 gene in hereditary hemorrhagic telangiectasia. Mutations in brief no. 164. Online. Hum Mutat. 1998;12(2):137. PMID: 10694922

Ambry Genetics
Classification: Pathogenic for Cardiovascular phenotype. Last evaluated: 2023-12-28. Review status: criteria provided, single submitter. Criteria: Ambry Variant Classification Scheme 2023. Collection method: clinical testing. Allele origin: germline.
Comment: The c.406_409delGGTG pathogenic mutation, located in coding exon 3 of the ACVRL1 gene, results from a deletion of 4 nucleotides at nucleotide positions 406 to 409, causing a translational frameshift with a predicted alternate stop codon (p.G136Sfs*28). In one study, this variant was seen in an individual with hereditary hemorrhagic telangiectasia (HHT) (Klaus DJ et al. Hum Mutat. 1998:12(2):137). In addition to the clinical data presented in the literature, this alteration is expected to result in loss of function by premature protein truncation or nonsense-mediated mRNA decay. As such, this alteration is interpreted as a disease-causing mutation.

Mayo Clinic Laboratories, Mayo Clinic
Classification: Pathogenic. Last evaluated: 2021-09-08. Review status: criteria provided, single submitter. Criteria: ACMG Guidelines, 2015. Collection method: clinical testing. Allele origin: germline.
Comment: PP4, PM1, PVS1

Literature cited by the submitters: PubMed 15879500 (cited by Labcorp Genetics (formerly Invitae), Labcorp); PubMed 10694922 (cited by Labcorp Genetics (formerly Invitae), Labcorp and Mayo Clinic Laboratories, Mayo Clinic).

NM_000020.3(ACVRL1):c.406_409del (p.Gly136fs)

Gene: ACVRL1 (activin A receptor like type 1; plus strand). Cytogenetic location: 12q13.13.
Variant type: Deletion.
Coding change: c.406_409del on transcript NM_000020.3 (MANE Select); coding-DNA positions 406 to 409, 4 bases deleted (GGTG; older notation c.406_409delGGTG).
Protein change: p.Gly136fs; shifts the reading frame from glycine 136.
Molecular consequence: frameshift variant.
Genome position (GRCh38, 1-based): chr12:51,913,651-51,913,654, GGTG deleted; deleting any 4 consecutive bases within chr12:51,913,649-51,913,654 gives the same sequence; the c. name uses the placement nearest the transcript's 3' end. VCF-style (leftmost placement, unchanged base first): chr12-51913648-CTGGG-C. GRCh37 (hg19) VCF-style: chr12-52307432-CTGGG-C.
Other names: p.Gly136Serfs*28; c.406_409delGGTG (NM_000020.2); c.406_409del, p.Gly136fs (NM_001077401.2); short protein forms G136fs.
Identifiers: ClinVar variation 212806 (VCV000212806.30), dbSNP rs863223416, ClinGen allele CA321394.